The following is an entry in ClinVar:

NM_014611.3(MDN1):c.1450-9C>G

Gene: MDN1 (midasin AAA ATPase 1; minus strand). Cytogenetic location: 6q15.
Variant type: single nucleotide variant.
Coding change: c.1450-9C>G on transcript NM_014611.3 (MANE Select); 9 bases into the intron before coding-DNA position 1450, C replaced by G.
Molecular consequence: intron variant.
Genome position (GRCh38, 1-based): chr6:89,781,601, G>C on the plus strand (C>G on the coding strand, the complement: MDN1 is on the minus strand). VCF-style: chr6-89781601-G-C. GRCh37 (hg19) VCF-style: chr6-90491320-G-C.
Identifiers: ClinVar variation 3044845 (VCV003044845.2), dbSNP rs540971569, ClinGen allele CA3925981.

ClinVar aggregate classification (germline): Likely benign (0 of 4 stars; one submission).

Conditions:
MDN1-related disorder. Also called: MDN1-related condition.

Allele frequency attached by ClinVar (database versions not stated): ExAC 0.00027; gnomAD 0.00038; TOPMed 0.00045; gnomAD exomes 0.00053.
gnomAD v4.1: 787 of 1,547,528 alleles (0.051%); highest among the groups gnomAD compares: Non-Finnish European, 0.062%; no homozygotes.

Submission:

PreventionGenetics, part of Exact Sciences
Classification: Likely benign for MDN1-related condition. Last evaluated: 2019-06-06. Review status: no assertion criteria provided. Collection method: clinical testing. Allele origin: germline.
Comment: This variant is classified as likely benign based on ACMG/AMP sequence variant interpretation guidelines (Richards et al. 2015 PMID: 25741868, with internal and published modifications).